The following is an entry in ClinVar:

NM_002878.4(RAD51D):c.739-9C>T

Genes: RAD51L3-RFFL (RAD51L3-RFFL readthrough; minus strand), RAD51D (RAD51 paralog D; minus strand). Cytogenetic location: 17q12.
Variant type: single nucleotide variant.
Coding change: c.739-9C>T on transcript NM_002878.4 (MANE Select); 9 bases into the intron before coding-DNA position 739, C replaced by T.
Molecular consequence: intron variant.
Genome position (GRCh38, 1-based): chr17:35,101,374, G>A on the plus strand (C>T on the coding strand, the complement: RAD51D is on the minus strand). VCF-style: chr17-35101374-G-A. GRCh37 (hg19) VCF-style: chr17-33428393-G-A.
Other names: c.403-9C>T (NM_133629.3); c.799-9C>T (NM_001142571.2).
Identifiers: ClinVar variation 3904053 (VCV003904053.1).

ClinVar aggregate classification (germline): Likely benign (1 of 4 stars; one submission).

Conditions:
Breast-ovarian cancer, familial, susceptibility to, 4. Identifiers: Orphanet 145, MedGen C3280345, MONDO:0013669, OMIM 614291.

Submission:

Myriad Genetics, Inc.
Classification: Likely benign for Breast-ovarian cancer, familial, susceptibility to, 4. Last evaluated: 2025-02-24. Review status: criteria provided, single submitter. Criteria: Myriad Autosomal Dominant, Autosomal Recessive and X-Linked Classification Criteria (2023). Collection method: clinical testing. Allele origin: unknown.
Comment: This variant is considered likely benign. This variant is intronic and is not expected to impact mRNA splicing.